The following is an entry in ClinVar:

NM_004369.4(COL6A3):c.6436G>C (p.Gly2146Arg)

Gene: COL6A3 (collagen type VI alpha 3 chain; minus strand). Cytogenetic location: 2q37.3.
Variant type: single nucleotide variant.
Coding change: c.6436G>C on transcript NM_004369.4 (MANE Select); coding-DNA position 6436, G replaced by C.
Protein change: p.Gly2146Arg; replaces glycine 2146 with arginine.
Molecular consequence: missense variant.
Genome position (GRCh38, 1-based): chr2:237,358,556, C>G on the plus strand (G>C on the coding strand, the complement: COL6A3 is on the minus strand). VCF-style: chr2-237358556-C-G. GRCh37 (hg19) VCF-style: chr2-238267199-C-G.
Other names: c.4615G>C, p.Gly1539Arg (NM_057166.5); c.5818G>C, p.Gly1940Arg (NM_057167.4); short protein forms G1539R, G2146R, G1940R.
Identifiers: ClinVar variation 3652527 (VCV003652527.2).

ClinVar aggregate classification (germline): Uncertain significance (1 of 4 stars; one submission).

Conditions:
Bethlem myopathy 1A. Also called: Bethlem myopathy 1; MYOPATHY, BENIGN CONGENITAL, WITH CONTRACTURES; Bethlem Muscular Dystrophy. Identifiers: Orphanet 610, MedGen CN029274, MONDO:0024530, OMIM 158810.

Submission:

Labcorp Genetics (formerly Invitae), Labcorp
Classification: Uncertain significance for Bethlem myopathy 1A. Last evaluated: 2024-06-28. Review status: criteria provided, single submitter. Criteria: Invitae Variant Classification Sherloc (09022015). Collection method: clinical testing. Allele origin: germline.
Comment: This sequence change replaces glycine, which is neutral and non-polar, with arginine, which is basic and polar, at codon 2146 of the COL6A3 protein (p.Gly2146Arg). This variant is not present in population databases (gnomAD no frequency). This variant has not been reported in the literature in individuals affected with COL6A3-related conditions. Advanced modeling of protein sequence and biophysical properties (such as structural, functional, and spatial information, amino acid conservation, physicochemical variation, residue mobility, and thermodynamic stability) performed at Invitae indicates that this missense variant is expected to disrupt COL6A3 protein function with a positive predictive value of 80%. This variant disrupts the triple helix domain of COL6A3. Glycine residues within the Gly-Xaa-Yaa repeats of the triple helix domain are required for the structure and stability of fibrillar collagens (PMID: 7695699, 8218237, 19344236). In COL6A3, missense variants at these glycine residues are significantly enriched in individuals with autosomal dominant disease (PMID: 15689448, 24038877) compared to the general population (ExAC). In summary, the available evidence is currently insufficient to determine the role of this variant in disease. Therefore, it has been classified as a Variant of Uncertain Significance.

Literature cited by the submitters: PubMed 7695699; PubMed 8218237; PubMed 19344236; PubMed 15689448; PubMed 24038877.